The following is an entry in ClinVar:

NM_000238.4(KCNH2):c.312C>G (p.Ser104Arg)

Gene: KCNH2 (potassium voltage-gated channel subfamily H member 2; minus strand). Cytogenetic location: 7q36.1.
Variant type: single nucleotide variant.
Coding change: c.312C>G on transcript NM_000238.4 (MANE Select); coding-DNA position 312, C replaced by G.
Protein change: p.Ser104Arg; replaces serine 104 with arginine.
Molecular consequence: missense variant.
Genome position (GRCh38, 1-based): chr7:150,959,732, G>C on the plus strand (C>G on the coding strand, the complement: KCNH2 is on the minus strand). VCF-style: chr7-150959732-G-C. GRCh37 (hg19) VCF-style: chr7-150656820-G-C.
Other names: c.24C>G, p.Ser8Arg (NM_001406753.1, NM_001406756.1); c.135C>G, p.Ser45Arg (NM_001406755.1); c.12C>G, p.Ser4Arg (NM_001406757.1); c.312C>G, p.Ser104Arg (NM_172056.3); short protein forms S104R, S45R, S4R, S8R.
Identifiers: ClinVar variation 527024 (VCV000527024.9), dbSNP rs1554428245, ClinGen allele CA369863920.
Genomic context (GRCh38, chr7:150,959,732, plus strand): 5'-CATGATGACAGCCCCATCCTCGTTCTTCACGGGCACCACATCCACCAGACATAGGAAGCA[G>C]CTCCCTGCAGAGTGGGAGGACATAGCCCCCTTGGCACCCACTCAGTGGGCAGAGCAGAAA-3'
Protein context (NP_000229.1, residues 94-114): VEIAFYRKDG[Ser104Arg]CFLCLVDVVP

ClinVar aggregate classification (germline): Uncertain significance (1 of 4 stars; one submission).

Conditions:
Long QT syndrome (LQTS). Identifiers: MedGen C0023976, MeSH D008133, MONDO:0002442. Disease mechanism: loss of function. Inheritance: Various modes of inheritance.

gnomAD v4.1: 1 of 1,614,178 alleles (0.000062%); highest among the groups gnomAD compares: Non-Finnish European, 0.000085%; no homozygotes.

Submission:

Labcorp Genetics (formerly Invitae), Labcorp
Classification: Uncertain significance for Long QT syndrome. Last evaluated: 2022-08-10. Review status: criteria provided, single submitter. Criteria: Invitae Variant Classification Sherloc (09022015). Collection method: clinical testing. Allele origin: germline.
Comment: In summary, the available evidence is currently insufficient to determine the role of this variant in disease. Therefore, it has been classified as a Variant of Uncertain Significance. Algorithms developed to predict the effect of sequence changes on RNA splicing suggest that this variant may create or strengthen a splice site. Algorithms developed to predict the effect of missense changes on protein structure and function (SIFT, PolyPhen-2, Align-GVGD) all suggest that this variant is likely to be tolerated. ClinVar contains an entry for this variant (Variation ID: 527024). This variant has not been reported in the literature in individuals affected with KCNH2-related conditions. This variant is not present in population databases (gnomAD no frequency). This sequence change replaces serine, which is neutral and polar, with arginine, which is basic and polar, at codon 104 of the KCNH2 protein (p.Ser104Arg).